The following is an entry in ClinVar:

NM_000518.5(HBB):c.91A>G (p.Arg31Gly)

Genes: HBB (hemoglobin subunit beta; minus strand), LOC106099062 (HBB recombination region; plus strand), LOC107133510 (origin of replication at HBB; plus strand). Cytogenetic location: 11p15.4.
Variant type: single nucleotide variant.
Coding change: c.91A>G on transcript NM_000518.5 (MANE Select); coding-DNA position 91, A replaced by G.
Protein change: p.Arg31Gly; replaces arginine 31 with glycine.
Molecular consequence: missense variant.
Genome position (GRCh38, 1-based): chr11:5,226,931, T>C on the plus strand (A>G on the coding strand, the complement: HBB is on the minus strand). VCF-style: chr11-5226931-T-C. GRCh37 (hg19) VCF-style: chr11-5248161-T-C.
Other names: CD 30 (A>G) or IVS I (-2) AGG>GGG (Arg>Gly); short protein forms R31G.
Identifiers: ClinVar variation 869243 (VCV000869243.3), dbSNP rs35684407, ClinGen allele CA217115065.

ClinVar aggregate classification (germline): Pathogenic/Likely pathogenic. Review status: criteria provided, multiple submitters, no conflicts (2 of 4 stars). 3 submissions from 3 submitters: Pathogenic (1); Likely pathogenic (1). 1 of the submissions does not count toward it. Last evaluated 2025-08-07.

Conditions:
beta Thalassemia (BTHAL). Also called: Cooley's anemia; Erythroblastic anemia; Mediterranean anemia. Identifiers: Orphanet 848, MedGen C0005283, MONDO:0019402. Disease mechanism: loss of function.

Submissions (3):

Natera, Inc.
Classification: Likely pathogenic for Beta thalassemia. Last evaluated: 2025-08-07. Review status: criteria provided, single submitter. Criteria: Natera Variant Classification Schema (03/2026). Collection method: clinical testing. Allele origin: germline.
Comment: The c.91A>G variant in HBB is a missense variant predicted to cause substitution of arginine to glycine at amino acid 31. This variant is rare in the general population with a frequency below the threshold expected for the associated phenotype(s). This variant has been observed in one or more individuals affected with the associated recessive disease, as either homozygous or compound heterozygous with a second variant (PMID: 30868793). Computational prediction algorithms indicate this variant is likely to affect gene or protein function. Given the available evidence, this variant is classified as Likely Pathogenic.

ARUP Laboratories, Molecular Genetics and Genomics, ARUP Laboratories
Classification: Pathogenic. Last evaluated: 2024-07-10. Review status: criteria provided, single submitter. Criteria: ARUP Molecular Germline Variant Investigation Process 2024. Collection method: clinical testing. Allele origin: germline.
Comment: The HBB: c.91A>G; p.Arg31Gly, also known as Arg30Gly when numbered from the mature protein, rs35684407, HbVar ID: 815) is reported heterozygous in the literature in multiple individuals affected with beta(0) thalassemia trait (See HbVar database and references therein). This variant is absent from the Genome Aggregation Database (v2.1.1), indicating it is not a common polymorphism. Computational analyses (Alamut Visual Plus v.1.5.1) predict that this variant may impact splicing by weakening the nearby canonical donor splice site. Additionally, another variant at this codon (Hb Monroe variant, c.92G>C; p.Arg31Thr, HbVar ID: 290) has been reported in individuals with beta (0) thalassemia, is shown to affect splicing, and is considered pathogenic (Vidaud 1989). Based on available information, this variant is considered to be pathogenic. References: Link to HbVar database: Vidaud M et al. A 5' splice-region G----C mutation in exon 1 of the human beta-globin gene inhibits pre-mRNA splicing: a mechanism for beta+-thalassemia. Proc Natl Acad Sci U S A. 1989 Feb;86(3):1041-5. PMID: 2915972.

The ITHANET community portal, The Cyprus Institute of Neurology and Genetics
Classification: Pathogenic for beta Thalassemia. Last evaluated: 2019-11-25. Review status: no assertion criteria provided. Collection method: curation. Allele origin: germline. Not counted in ClinVar's aggregate classification.

Literature cited by the submitters: PubMed 30868793 (cited by Natera, Inc.); PubMed 9494053 (cited by The ITHANET community portal, The Cyprus Institute of Neurology and Genetics).